The following is an entry in ClinVar:

NM_000642.3(AGL):c.2930G>A (p.Arg977Gln)

Gene: AGL (amylo-alpha-1,6-glucosidase and 4-alpha-glucanotransferase; plus strand). Cytogenetic location: 1p21.2.
Variant type: single nucleotide variant.
Coding change: c.2930G>A on transcript NM_000642.3 (MANE Select); coding-DNA position 2930, G replaced by A.
Protein change: p.Arg977Gln; replaces arginine 977 with glutamine.
Molecular consequence: missense variant.
Genome position (GRCh38, 1-based): chr1:99,891,337, G>A. VCF-style: chr1-99891337-G-A. GRCh37 (hg19) VCF-style: chr1-100356893-G-A.
Other names: c.2930G>A, p.Arg977Gln (NM_000028.3, NM_000643.3, NM_000644.3 and 1 more transcripts); c.2882G>A, p.Arg961Gln (NM_000646.3); c.2909G>A, p.Arg970Gln (NM_001425326.1); c.2729G>A, p.Arg910Gln (NM_001425327.1); c.2726G>A, p.Arg909Gln (NM_001425328.1); c.2591G>A, p.Arg864Gln (NM_001425329.1); c.2552G>A, p.Arg851Gln (NM_001425332.1); short protein forms R977Q, R961Q, R851Q, R864Q, R909Q, R910Q, R970Q.
Identifiers: ClinVar variation 456478 (VCV000456478.15), dbSNP rs147977213, ClinGen allele CA966931.

ClinVar aggregate classification (germline): Conflicting classifications of pathogenicity. Review status: criteria provided, conflicting classifications (1 of 4 stars). 5 submissions from 5 submitters: Uncertain significance (3); Likely benign (1). 1 of the submissions does not count toward it. Last evaluated 2026-01-19.

Conditions:
Inborn genetic diseases. Identifiers: MedGen C0950123, MeSH D030342.
Glycogen storage disease type III (GSD3). Also called: Cori disease; FORBES DISEASE. Identifiers: Orphanet 366, MedGen C0017922, MONDO:0009291, OMIM 232400.

Allele frequency attached by ClinVar (database versions not stated): gnomAD 0.00009; TOPMed 0.00012; 1000 Genomes Project 30x 0.00031; 1000 Genomes Project 0.00040.
gnomAD v4.1: 157 of 1,613,558 alleles (0.0097%); highest among the groups gnomAD compares: East Asian, 0.27%; no homozygotes.

Submissions (5):

Labcorp Genetics (formerly Invitae), Labcorp
Classification: Likely benign for Glycogen storage disease type III. Last evaluated: 2026-01-19. Review status: criteria provided, single submitter. Criteria: Invitae Variant Classification Sherloc (09022015). Collection method: clinical testing. Allele origin: germline.

Blueprint Genetics
Classification: Uncertain significance. Last evaluated: 2024-10-09. Review status: criteria provided, single submitter. Criteria: ACMG Guidelines, 2015. Collection method: clinical testing. Allele origin: germline.

Ambry Genetics
Classification: Uncertain significance for Inborn genetic diseases. Last evaluated: 2022-10-27. Review status: criteria provided, single submitter. Criteria: Ambry Variant Classification Scheme 2023. Collection method: clinical testing. Allele origin: germline.

Center for Genomics, Ann and Robert H. Lurie Children's Hospital of Chicago
Classification: Uncertain significance for Glycogen storage disease type III. Review status: criteria provided, single submitter. Criteria: ACMG Guidelines, 2015. Collection method: clinical testing. Allele origin: germline.
Comment: AGL NM_000642.2 exon 22 p.Arg977Gln (c.2930G>A): This variant has not been reported in the literature but is present in 0.1% (22/19952) of East Asian alleles in the Genome Aggregation Database. This variant is present in ClinVar (Variation ID:456478). Evolutionary conservation suggests that this variant may impact the protein; computational predictive tools for this variant are unclear. In summary, data on this variant is insufficient for disease classification. Therefore, the clinical significance of this variant is uncertain.

Natera, Inc.
Classification: Uncertain significance for Glycogen storage disease type III. Last evaluated: 2019-10-28. Review status: no assertion criteria provided. Collection method: clinical testing. Allele origin: germline. Not counted in ClinVar's aggregate classification.